The following is an entry in ClinVar:

ClinVar aggregate classification (germline): Uncertain significance (1 of 4 stars; one submission).

Conditions:
Hereditary cancer-predisposing syndrome. Also called: Hereditary Cancer Syndrome; Hereditary neoplastic syndrome; Neoplastic Syndromes, Hereditary; Tumor predisposition. Identifiers: Orphanet 140162, MedGen C0027672, MeSH D009386, MONDO:0015356.

Submission:

Ambry Genetics
Classification: Uncertain significance for Hereditary cancer-predisposing syndrome. Last evaluated: 2021-06-03. Review status: criteria provided, single submitter. Criteria: Ambry Variant Classification Scheme 2023. Collection method: clinical testing. Allele origin: germline.
Comment: The p.W156C variant (also known as c.468G>C), located in coding exon 4 of the ATM gene, results from a G to C substitution at nucleotide position 468. The tryptophan at codon 156 is replaced by cysteine, an amino acid with highly dissimilar properties. This amino acid position is highly conserved in available vertebrate species. In addition, this alteration is predicted to be deleterious by in silico analysis. Since supporting evidence is limited at this time, the clinical significance of this alteration remains unclear.

NM_000051.4(ATM):c.468G>C (p.Trp156Cys)

Gene: ATM (ATM serine/threonine kinase; plus strand). Cytogenetic location: 11q22.3.
Variant type: single nucleotide variant.
Coding change: c.468G>C on transcript NM_000051.4 (MANE Select); coding-DNA position 468, G replaced by C.
Protein change: p.Trp156Cys; replaces tryptophan 156 with cysteine.
Molecular consequence: missense variant.
Genome position (GRCh38, 1-based): chr11:108,235,806, G>C. VCF-style: chr11-108235806-G-C. GRCh37 (hg19) VCF-style: chr11-108106533-G-C.
Other names: c.468G>C, p.Trp156Cys (NM_001351834.2); short protein forms W156C.
Identifiers: ClinVar variation 1742471 (VCV001742471.2), dbSNP rs1591475457, ClinGen allele CA382525494.